The following is an entry in ClinVar:

ClinVar aggregate classification (germline): Uncertain significance (1 of 4 stars; one submission).

Conditions:
Neuropathy, hereditary sensory, type 1F. Also called: Hereditary sensory neuropathy type IF; HSN IF. Identifiers: Orphanet 36386, MedGen C3810194, MONDO:0014286, OMIM 615632.

Submission:

Labcorp Genetics (formerly Invitae), Labcorp
Classification: Uncertain significance for Neuropathy, hereditary sensory, type 1F. Last evaluated: 2021-09-08. Review status: criteria provided, single submitter. Criteria: Invitae Variant Classification Sherloc (09022015). Collection method: clinical testing. Allele origin: germline.
Comment: In summary, the available evidence is currently insufficient to determine the role of this variant in disease. Therefore, it has been classified as a Variant of Uncertain Significance. Experimental studies and prediction algorithms are not available or were not evaluated, and the functional significance of this variant is currently unknown. This variant has not been reported in the literature in individuals affected with ATL3-related conditions. This variant results in a copy number gain of the genomic region encompassing exon(s) 13 of the ATL3 gene. This region includes the termination codon of the gene. This copy number gain extends beyond the assayed region for this gene and therefore may encompass additional genes. As the precise location of this event is unknown, it may be in tandem or it may be located elsewhere in the genome.

NC_000011.9:g.(?_63396791)_(63396897_?)dup

Gene: ATL3 (atlastin GTPase 3; minus strand). Cytogenetic location: 11q12.3.
Variant type: Duplication.
Identifiers: ClinVar variation 1442172 (VCV001442172.4).